The following is an entry in ClinVar:

ClinVar aggregate classification (germline): Uncertain significance (1 of 4 stars; one submission).

Conditions:
Hereditary fructosuria. Also called: Fructose intolerance; ALDOB DEFICIENCY; ALDOLASE B DEFICIENCY; FRUCTOSE-1,6-BISPHOSPHATE ALDOLASE B DEFICIENCY; FRUCTOSE-1-PHOSPHATE ALDOLASE DEFICIENCY; FRUCTOSEMIA. Identifiers: Orphanet 469, MedGen C0016751, MONDO:0009249, OMIM 229600, HP:0005973. Disease mechanism: loss of function.

Allele frequency attached by ClinVar (database versions not stated): ExAC 0.00001.
gnomAD v4.1: 2 of 1,614,168 alleles (0.00012%); highest among the groups gnomAD compares: Admixed American, 0.0017%; no homozygotes.

Submission:

Laboratorio de Genetica e Diagnostico Molecular, Hospital Israelita Albert Einstein
Classification: Uncertain significance for Hereditary fructosuria. Last evaluated: 2022-10-07. Review status: criteria provided, single submitter. Criteria: ACMG Guidelines, 2015. Collection method: clinical testing. Allele origin: germline. Affected: yes.
Comment: ACMG classification criteria: PM2 moderated, BP4 supporting

NM_000035.4(ALDOB):c.76A>T (p.Asn26Tyr)

Gene: ALDOB (aldolase, fructose-bisphosphate B; minus strand). Cytogenetic location: 9q31.1.
Variant type: single nucleotide variant.
Coding change: c.76A>T on transcript NM_000035.4 (MANE Select); coding-DNA position 76, A replaced by T.
Protein change: p.Asn26Tyr; replaces asparagine 26 with tyrosine.
Molecular consequence: missense variant.
Genome position (GRCh38, 1-based): chr9:101,430,812, T>A on the plus strand (A>T on the coding strand, the complement: ALDOB is on the minus strand). VCF-style: chr9-101430812-T-A. GRCh37 (hg19) VCF-style: chr9-104193094-T-A.
Other names: short protein forms N26Y.
Identifiers: ClinVar variation 2431711 (VCV002431711.2), dbSNP rs760539963, ClinGen allele CA5161750.
Genomic context (GRCh38, chr9:101,430,812, plus strand): 5'-GATGAGACTGCTTTTTACACTCACCTACAGATTCATCTGCAGCCAGGATCCCCTTTCCAT[T>A]GGCAACAATGCTCTGGGCAATTTCTGAGAGCTCCTTCTTCTGCTCCTGGGTGAGGGCTGG-3'
Protein context (NP_000026.2, residues 16-36): LSEIAQSIVA[Asn26Tyr]GKGILAADES